The following is an entry in ClinVar:

NM_004586.3(RPS6KA3):c.532G>T (p.Ala178Ser)

Gene: RPS6KA3 (ribosomal protein S6 kinase A3; minus strand). Cytogenetic location: Xp22.12.
Variant type: single nucleotide variant.
Coding change: c.532G>T on transcript NM_004586.3 (MANE Select); coding-DNA position 532, G replaced by T.
Protein change: p.Ala178Ser; replaces alanine 178 with serine.
Molecular consequence: missense variant.
Genome position (GRCh38, 1-based): chrX:20,193,548, C>A on the plus strand (G>T on the coding strand, the complement: RPS6KA3 is on the minus strand). VCF-style: chrX-20193548-C-A. GRCh37 (hg19) VCF-style: chrX-20211666-C-A.
Other names: c.448G>T, p.Ala150Ser (NM_001438340.1); short protein forms A150S, A178S.
Identifiers: ClinVar variation 5001027 (VCV005001027.1).

ClinVar aggregate classification (germline): Uncertain significance (1 of 4 stars; one submission).

Conditions:
RPS6KA3-related disorder. Also called: RPS6KA3-related condition.

Submission:

PreventionGenetics, part of Exact Sciences
Classification: Uncertain significance for RPS6KA3-related condition. Last evaluated: 2025-03-04. Review status: criteria provided, single submitter. Criteria: ACMG Guidelines, 2015. Collection method: clinical testing. Allele origin: germline.
Comment: The RPS6KA3 c.532G>T variant is predicted to result in the amino acid substitution p.Ala178Ser. To our knowledge, this variant has not been reported in the literature or in a large population database (gnomAD), indicating this variant is rare. At this time, the clinical significance of this variant is uncertain due to the absence of conclusive functional and genetic evidence.